The following is an entry in ClinVar:

ClinVar aggregate classification (germline): Conflicting classifications of pathogenicity. Review status: criteria provided, conflicting classifications (1 of 4 stars). 3 submissions from 3 submitters: Uncertain significance (2); Likely benign (1). Last evaluated 2025-03-21.

Conditions:
Inborn genetic diseases. Identifiers: MedGen C0950123, MeSH D030342.

Allele frequency attached by ClinVar (database versions not stated): TOPMed 0.00002; ExAC 0.00007; gnomAD exomes 0.00007.
gnomAD v4.1: 20 of 1,571,582 alleles (0.0013%); highest among the groups gnomAD compares: Admixed American, 0.03%; no homozygotes.

Submissions (3):

GeneDx
Classification: Uncertain significance. Last evaluated: 2025-03-21. Review status: criteria provided, single submitter. Criteria: GeneDx Variant Classification Process June 2021. Collection method: clinical testing. Allele origin: germline. Affected: yes.
Comment: In silico analysis indicates that this missense variant does not alter protein structure/function; Has not been previously published as pathogenic or benign to our knowledge

Labcorp Genetics (formerly Invitae), Labcorp
Classification: Uncertain significance. Last evaluated: 2022-10-24. Review status: criteria provided, single submitter. Criteria: Invitae Variant Classification Sherloc (09022015). Collection method: clinical testing. Allele origin: germline.
Comment: This sequence change replaces isoleucine, which is neutral and non-polar, with valine, which is neutral and non-polar, at codon 133 of the PNPT1 protein (p.Ile133Val). This variant is present in population databases (rs756714219, gnomAD 0.05%). This variant has not been reported in the literature in individuals affected with PNPT1-related conditions. ClinVar contains an entry for this variant (Variation ID: 1351133). Advanced modeling of protein sequence and biophysical properties (such as structural, functional, and spatial information, amino acid conservation, physicochemical variation, residue mobility, and thermodynamic stability) performed at Invitae indicates that this missense variant is not expected to disrupt PNPT1 protein function. In summary, the available evidence is currently insufficient to determine the role of this variant in disease. Therefore, it has been classified as a Variant of Uncertain Significance.

Ambry Genetics
Classification: Likely benign for Inborn genetic diseases. Last evaluated: 2021-06-22. Review status: criteria provided, single submitter. Criteria: Ambry Variant Classification Scheme 2023. Collection method: clinical testing. Allele origin: germline.

NM_033109.5(PNPT1):c.397A>G (p.Ile133Val)

Gene: PNPT1 (polyribonucleotide nucleotidyltransferase 1; minus strand). Cytogenetic location: 2p16.1.
Variant type: single nucleotide variant.
Coding change: c.397A>G on transcript NM_033109.5 (MANE Select); coding-DNA position 397, A replaced by G.
Protein change: p.Ile133Val; replaces isoleucine 133 with valine.
Molecular consequence: missense variant.
Genome position (GRCh38, 1-based): chr2:55,684,949, T>C on the plus strand (A>G on the coding strand, the complement: PNPT1 is on the minus strand). VCF-style: chr2-55684949-T-C. GRCh37 (hg19) VCF-style: chr2-55912084-T-C.
Other names: c.397A>G (NM_033109.3); short protein forms I133V.
Identifiers: ClinVar variation 1351133 (VCV001351133.7), dbSNP rs756714219, ClinGen allele CA1668524.